The following is an entry in ClinVar:

ClinVar aggregate classification (germline): Uncertain significance (1 of 4 stars; one submission).

Submission:

Labcorp Genetics (formerly Invitae), Labcorp
Classification: Uncertain significance. Last evaluated: 2021-02-10. Review status: criteria provided, single submitter. Criteria: Invitae Variant Classification Sherloc (09022015). Collection method: clinical testing. Allele origin: germline.
Comment: In summary, the available evidence is currently insufficient to determine the role of this variant in disease. Therefore, it has been classified as a Variant of Uncertain Significance. Algorithms developed to predict the effect of sequence changes on RNA splicing suggest that this variant may disrupt the consensus splice site, but this prediction has not been confirmed by published transcriptional studies. This variant has not been reported in the literature in individuals with TOPORS-related conditions. This variant is not present in population databases (ExAC no frequency). This variant results in the deletion of part of exon 2 (c.4-6_54del) of the TOPORS gene. It is expected to disrupt RNA splicing. Variants that disrupt the donor or acceptor splice site typically lead to a loss of protein function (PMID: 16199547), however the current clinical and genetic evidence is not sufficient to establish whether loss-of-function variants in TOPORS cause disease.

Literature cited by the submitters: PubMed 16199547.

NM_005802.5(TOPORS):c.4-6_54del

Gene: TOPORS (TOP1 binding arginine/serine rich protein, E3 ubiquitin ligase; minus strand). Cytogenetic location: 9p21.1.
Variant type: Deletion.
Coding change: c.4-6_54del on transcript NM_005802.5 (MANE Select); 6 bases into the intron before coding-DNA position 4 through coding-DNA position 54, 57 bases deleted.
Molecular consequence: splice acceptor variant. On other transcripts: intron variant (1).
Genome position (GRCh38, 1-based): chr9:32,550,918-32,550,974, 57 bases deleted. GRCh37 (hg19): chr9:32,550,919-32,550,975.
Other names: c.3+1460_3+1516del (NM_001195622.2).
Identifiers: ClinVar variation 1508264 (VCV001508264.6), dbSNP rs2118981498, ClinGen allele CA2573144540.